The following is an entry in ClinVar:

ClinVar aggregate classification (germline): Pathogenic (1 of 4 stars; one submission).

Submission:

Labcorp Genetics (formerly Invitae), Labcorp
Classification: Pathogenic. Last evaluated: 2023-06-21. Review status: criteria provided, single submitter. Criteria: Invitae Variant Classification Sherloc (09022015). Collection method: clinical testing. Allele origin: germline.
Comment: For these reasons, this variant has been classified as Pathogenic. This variant has not been reported in the literature in individuals affected with CC2D1A-related conditions. This variant is not present in population databases (gnomAD no frequency). This sequence change creates a premature translational stop signal (p.Val405Cysfs*29) in the CC2D1A gene. It is expected to result in an absent or disrupted protein product. Loss-of-function variants in CC2D1A are known to be pathogenic (PMID: 16033914).

Literature cited by the submitters: PubMed 16033914.

NM_017721.5(CC2D1A):c.1212del (p.Val405fs)

Gene: CC2D1A (coiled-coil and C2 domain containing 1A; plus strand). Cytogenetic location: 19p13.12.
Variant type: Deletion.
Coding change: c.1212del on transcript NM_017721.5 (MANE Select); coding-DNA position 1212, one base deleted (C; older notation c.1212delC).
Protein change: p.Val405fs; shifts the reading frame from valine 405.
Molecular consequence: frameshift variant.
Genome position (GRCh38, 1-based): chr19:13,919,192, C deleted; the last of 3 consecutive C bases (chr19:13,919,190-13,919,192); deleting any one gives the same sequence. VCF-style (leftmost placement, unchanged base first): chr19-13919189-GC-G. GRCh37 (hg19) VCF-style: chr19-14030002-GC-G.
Other names: c.1212del, p.Val405fs (NM_001411138.1); short protein forms V405fs.
Identifiers: ClinVar variation 2854618 (VCV002854618.3), dbSNP rs1971317826, ClinGen allele CA2324123747.